The following is an entry in ClinVar:

ClinVar aggregate classification (germline): Benign/Likely benign. Review status: criteria provided, multiple submitters, no conflicts (2 of 4 stars). 6 submissions from 6 submitters: Benign (1); Likely benign (5). Last evaluated 2026-08-01.

Allele frequency attached by ClinVar (database versions not stated): 1000 Genomes Project 30x 0.00156; 1000 Genomes Project 0.00180; gnomAD 0.00299 and 0.00307; ExAC 0.00316; gnomAD exomes 0.00320 and 0.00451; TOPMed 0.00346; ESP Exome Variant Server 0.00431.
gnomAD v4.1: 7,027 of 1,606,638 alleles (0.44%); highest among the groups gnomAD compares: Middle Eastern, 1.6%; 23 homozygotes.

Submissions (6):

CeGaT Center for Human Genetics Tuebingen
Classification: Likely benign. Last evaluated: 2026-08-01. Review status: criteria provided, single submitter. Criteria: CeGaT Center For Human Genetics Tuebingen Variant Classification Criteria Version 2. Collection method: clinical testing. Allele origin: germline. Affected: yes. Observed: 11 variant alleles.
Comment: ORC4: BP4, BS2

Labcorp Genetics (formerly Invitae), Labcorp
Classification: Likely benign. Last evaluated: 2026-01-27. Review status: criteria provided, single submitter. Criteria: Invitae Variant Classification Sherloc (09022015). Collection method: clinical testing. Allele origin: germline.

Blueprint Genetics
Classification: Likely benign. Last evaluated: 2024-11-20. Review status: criteria provided, single submitter. Criteria: ACMG Guidelines, 2015. Collection method: clinical testing. Allele origin: germline.

Genetic Services Laboratory, University of Chicago
Classification: Benign. Last evaluated: 2018-06-08. Review status: criteria provided, single submitter. Criteria: ACMG Guidelines, 2015. Collection method: clinical testing. Allele origin: germline. Affected: no.

Eurofins Ntd Llc (ga)
Classification: Likely benign. Last evaluated: 2016-11-09. Review status: criteria provided, single submitter. Criteria: EGL Classification Definitions 2015. Collection method: clinical testing. Allele origin: germline. Observed: 4 variant alleles, 4 heterozygotes.

GeneDx
Classification: Likely benign. Last evaluated: 2015-03-03. Review status: criteria provided, single submitter. Criteria: GeneDx Variant Classification Process June 2021. Collection method: clinical testing. Allele origin: germline. Affected: yes.
Comment: This variant is associated with the following publications: (PMID: 27884173, 20010161)

NM_181741.4(ORC4):c.857C>T (p.Ala286Val)

Gene: ORC4 (origin recognition complex subunit 4; minus strand). Cytogenetic location: 2q23.1.
Variant type: single nucleotide variant.
Coding change: c.857C>T on transcript NM_181741.4 (MANE Select); coding-DNA position 857, C replaced by T.
Protein change: p.Ala286Val; replaces alanine 286 with valine.
Molecular consequence: missense variant.
Genome position (GRCh38, 1-based): chr2:147,939,241, G>A on the plus strand (C>T on the coding strand, the complement: ORC4 is on the minus strand). VCF-style: chr2-147939241-G-A. GRCh37 (hg19) VCF-style: chr2-148696810-G-A.
Other names: c.857C>T, p.Ala286Val (NM_001190879.3, NM_001374270.1, NM_002552.5 and 1 more transcripts); c.605C>T, p.Ala202Val (NM_001190881.3, NM_001374272.1); c.635C>T, p.Ala212Val (NM_001190882.3); short protein forms A286V, A202V, A212V.
Identifiers: ClinVar variation 436118 (VCV000436118.67), dbSNP rs75002266, ClinGen allele CA1899468.